The following is an entry in ClinVar:

NM_005138.3(SCO2):c.656A>G (p.Asp219Gly)

Genes: NCAPH2 (non-SMC condensin II complex subunit H2; plus strand), SCO2 (synthesis of cytochrome C oxidase 2; minus strand). Cytogenetic location: 22q13.33.
Variant type: single nucleotide variant.
Coding change: c.656A>G on transcript NM_005138.3 (MANE Select); coding-DNA position 656, A replaced by G.
Protein change: p.Asp219Gly; replaces aspartic acid 219 with glycine.
Molecular consequence: missense variant. On other transcripts: 3 prime UTR variant (2).
Genome position (GRCh38, 1-based): chr22:50,523,756, T>C on the plus strand (A>G on the coding strand, the complement: SCO2 is on the minus strand). VCF-style: chr22-50523756-T-C. GRCh37 (hg19) VCF-style: chr22-50962185-T-C.
Other names: c.*381T>C (NM_001185011.2, NM_152299.4); c.656A>G, p.Asp219Gly (NM_001169109.2, NM_001169110.1, NM_001169111.2); short protein forms D219G.
Identifiers: ClinVar variation 1442338 (VCV001442338.6), dbSNP rs1173228514, ClinGen allele CA412191590.

ClinVar aggregate classification (germline): Uncertain significance (1 of 4 stars; one submission).

Allele frequency attached by ClinVar (database versions not stated): gnomAD exomes below 0.00001; TOPMed below 0.00001; gnomAD 0.00001.
gnomAD v4.1: 3 of 1,614,072 alleles (0.00019%); highest among the groups gnomAD compares: Admixed American, 0.005%; no homozygotes.

Submission:

Labcorp Genetics (formerly Invitae), Labcorp
Classification: Uncertain significance. Last evaluated: 2021-12-03. Review status: criteria provided, single submitter. Criteria: Invitae Variant Classification Sherloc (09022015). Collection method: clinical testing. Allele origin: germline.
Comment: In summary, the available evidence is currently insufficient to determine the role of this variant in disease. Therefore, it has been classified as a Variant of Uncertain Significance. Algorithms developed to predict the effect of missense changes on protein structure and function are either unavailable or do not agree on the potential impact of this missense change (SIFT: "Deleterious"; PolyPhen-2: "Probably Damaging"; Align-GVGD: "Class C0"). This variant has not been reported in the literature in individuals affected with SCO2-related conditions. This variant is present in population databases (no rsID available, gnomAD 0.003%). This sequence change replaces aspartic acid, which is acidic and polar, with glycine, which is neutral and non-polar, at codon 219 of the SCO2 protein (p.Asp219Gly).